The following is an entry in ClinVar:

NM_001085487.3(MYSM1):c.1410del (p.Arg470fs)

Gene: MYSM1 (Myb like, SWIRM and MPN domains 1; minus strand). Cytogenetic location: 1p32.1.
Variant type: Deletion.
Coding change: c.1410del on transcript NM_001085487.3 (MANE Select); coding-DNA position 1410, one base deleted (G; older notation c.1410delG).
Protein change: p.Arg470fs; shifts the reading frame from arginine 470.
Molecular consequence: frameshift variant.
Genome position (GRCh38, 1-based): chr1:58,675,561, C deleted on the plus strand (G on the coding strand, the reverse complement: MYSM1 is on the minus strand); the first of 2 consecutive C bases (chr1:58,675,561-58,675,562); deleting either gives the same sequence. VCF-style (leftmost placement, unchanged base first): chr1-58675560-GC-G. GRCh37 (hg19) VCF-style: chr1-59141232-GC-G.
Other names: short protein forms R470fs.
Identifiers: ClinVar variation 1968661 (VCV001968661.5), dbSNP rs536775508, ClinGen allele CA22868044.

ClinVar aggregate classification (germline): Pathogenic (1 of 4 stars; one submission).

Submission:

Labcorp Genetics (formerly Invitae), Labcorp
Classification: Pathogenic. Last evaluated: 2023-10-13. Review status: criteria provided, single submitter. Criteria: Invitae Variant Classification Sherloc (09022015). Collection method: clinical testing. Allele origin: germline.
Comment: This sequence change creates a premature translational stop signal (p.Arg470Serfs*17) in the MYSM1 gene. It is expected to result in an absent or disrupted protein product. Loss-of-function variants in MYSM1 are known to be pathogenic (PMID: 24288411, 28115216). This variant is present in population databases (rs536775508, gnomAD 0.002%). This variant has not been reported in the literature in individuals affected with MYSM1-related conditions. ClinVar contains an entry for this variant (Variation ID: 1968661). For these reasons, this variant has been classified as Pathogenic.

Literature cited by the submitters: PubMed 24288411; PubMed 28115216.